The following is an entry in ClinVar:

NM_006767.4(LZTR1):c.2282A>G (p.Lys761Arg)

Gene: LZTR1 (leucine zipper like post translational regulator 1; plus strand). Cytogenetic location: 22q11.21.
Variant type: single nucleotide variant.
Coding change: c.2282A>G on transcript NM_006767.4 (MANE Select); coding-DNA position 2282, A replaced by G.
Protein change: p.Lys761Arg; replaces lysine 761 with arginine.
Molecular consequence: missense variant.
Genome position (GRCh38, 1-based): chr22:20,996,758, A>G. VCF-style: chr22-20996758-A-G. GRCh37 (hg19) VCF-style: chr22-21351047-A-G.
Other names: short protein forms K761R.
Identifiers: ClinVar variation 1788955 (VCV001788955.9), dbSNP rs756703168, ClinGen allele CA10119330.

ClinVar aggregate classification (germline): Uncertain significance. Review status: criteria provided, multiple submitters, no conflicts (2 of 4 stars). 3 submissions from 3 submitters: Uncertain significance (3). Last evaluated 2025-12-21.

Conditions:
Hereditary cancer-predisposing syndrome. Also called: Hereditary neoplastic syndrome; Neoplastic Syndromes, Hereditary; Tumor predisposition; Hereditary Cancer Syndrome. Identifiers: Orphanet 140162, MedGen C0027672, MeSH D009386, MONDO:0015356.
Cardiovascular phenotype. Identifiers: MedGen CN230736.

Allele frequency attached by ClinVar (database versions not stated): TOPMed below 0.00001; ExAC 0.00001; gnomAD 0.00001; gnomAD exomes 0.00003.

Submissions (3):

Labcorp Genetics (formerly Invitae), Labcorp
Classification: Uncertain significance. Last evaluated: 2025-12-21. Review status: criteria provided, single submitter. Criteria: Invitae Variant Classification Sherloc (09022015). Collection method: clinical testing. Allele origin: germline.
Comment: This sequence change replaces lysine, which is basic and polar, with arginine, which is basic and polar, at codon 761 of the LZTR1 protein (p.Lys761Arg). This variant is present in population databases (rs756703168, gnomAD 0.003%). This variant has not been reported in the literature in individuals affected with LZTR1-related conditions. ClinVar contains an entry for this variant (Variation ID: 1788955). Invitae Evidence Modeling of protein sequence and biophysical properties (such as structural, functional, and spatial information, amino acid conservation, physicochemical variation, residue mobility, and thermodynamic stability) indicates that this missense variant is not expected to disrupt LZTR1 protein function with a negative predictive value of 80%. In summary, the available evidence is currently insufficient to determine the role of this variant in disease. Therefore, it has been classified as a Variant of Uncertain Significance.

Ambry Genetics
Classification: Uncertain significance for Cardiovascular phenotype; Hereditary cancer-predisposing syndrome. Last evaluated: 2025-08-28. Review status: criteria provided, single submitter. Criteria: Ambry Variant Classification Scheme 2023. Collection method: clinical testing. Allele origin: germline.
Comment: The p.K761R variant (also known as c.2282A>G), located in coding exon 19 of the LZTR1 gene, results from an A to G substitution at nucleotide position 2282. The lysine at codon 761 is replaced by arginine, an amino acid with highly similar properties. Functional studies suggest this variant showed a functionally normal result; however, additional evidence is needed to confirm this finding (Zipper L et al. Hemasphere, 2024 Jan;8:e26). This amino acid position is well conserved in available vertebrate species. In addition, this alteration is predicted to be tolerated by in silico analysis. Based on the available evidence, the clinical significance of this variant remains unclear.

Blueprint Genetics
Classification: Uncertain significance. Last evaluated: 2022-05-07. Review status: criteria provided, single submitter. Criteria: ACMG Guidelines, 2015. Collection method: clinical testing. Allele origin: germline.

Literature cited by the submitters: PubMed 38434521 (cited by Ambry Genetics).